The following is an entry in ClinVar:

ClinVar aggregate classification (germline): Benign/Likely benign. Review status: criteria provided, multiple submitters, no conflicts (2 of 4 stars). 11 submissions from 7 submitters: Benign (8); Likely benign (3). Last evaluated 2026-05-14.

Conditions:
FGFR2-related craniosynostosis. Identifiers: MedGen CN231480.
Craniosynostosis syndrome. Also called: Craniosynostosis. Identifiers: Orphanet 1531, MedGen C0010278, MeSH D003398, MONDO:0015469, HP:0001363.
Beare-Stevenson cutis gyrata syndrome (BSTVS). Identifiers: Orphanet 1555, MedGen C1852406, MONDO:0007412, OMIM 123790.
Crouzon syndrome. Also called: CRANIOFACIAL DYSOSTOSIS, TYPE I; Craniofacial dysostosis; Craniofacial dysostosis type 1; Crouzon craniofacial dysostosis; Crouzon disease. Identifiers: Orphanet 207, MedGen C0010273, MeSH D003394, MONDO:0007405, OMIM 123500, HP:0004439.
Isolated Coronal Synostosis. Identifiers: MedGen CN043619.
Saethre-Chotzen syndrome (SCS). Also called: ACROCEPHALY, SKULL ASYMMETRY, AND MILD SYNDACTYLY; ACS III; CHOTZEN SYNDROME. Identifiers: Orphanet 794, MedGen C0175699, MONDO:0007042, OMIM 101400.

Allele frequency attached by ClinVar (database versions not stated): 1000 Genomes Project 30x 0.00172; 1000 Genomes Project 0.00180; gnomAD 0.00186 and 0.00192; TOPMed 0.00202; ESP Exome Variant Server 0.00208; gnomAD exomes 0.00223 and 0.00227; ExAC 0.00238.
gnomAD v4.1: 3,577 of 1,610,884 alleles (0.22%); highest among the groups gnomAD compares: Middle Eastern, 0.79%; 13 homozygotes.

Submissions (11):

Women's Health and Genetics/Laboratory Corporation of America, LabCorp
Classification: Benign. Last evaluated: 2026-05-14. Review status: criteria provided, single submitter. Criteria: LabCorp Variant Classification Summary - May 2015. Collection method: clinical testing. Allele origin: germline.

Labcorp Genetics (formerly Invitae), Labcorp
Classification: Benign for FGFR2-related craniosynostosis. Last evaluated: 2026-01-28. Review status: criteria provided, single submitter. Criteria: Invitae Variant Classification Sherloc (09022015). Collection method: clinical testing. Allele origin: germline.

Blueprint Genetics
Classification: Likely benign. Last evaluated: 2024-11-23. Review status: criteria provided, single submitter. Criteria: ACMG Guidelines, 2015. Collection method: clinical testing. Allele origin: germline.

ARUP Laboratories, Molecular Genetics and Genomics, ARUP Laboratories
Classification: Benign. Last evaluated: 2022-10-21. Review status: criteria provided, single submitter. Criteria: ARUP Molecular Germline Variant Investigation Process 2021. Collection method: clinical testing. Allele origin: germline.

GeneDx
Classification: Benign. Last evaluated: 2019-01-23. Review status: criteria provided, single submitter. Criteria: GeneDx Variant Classification Process June 2021. Collection method: clinical testing. Allele origin: germline. Affected: yes.

Illumina Laboratory Services, Illumina
Classification: Benign for Saethre-Chotzen syndrome. Last evaluated: 2018-01-13. Review status: criteria provided, single submitter. Criteria: ICSL Variant Classification Criteria 13 December 2019. Collection method: clinical testing. Allele origin: germline.
Comment: This variant was observed in the ICSL laboratory as part of a predisposition screen in an ostensibly healthy population. It had not been previously curated by ICSL or reported in the Human Gene Mutation Database (HGMD: prior to June 1st, 2018), and was therefore a candidate for classification through an automated scoring system. Utilizing variant allele frequency, disease prevalence and penetrance estimates, and inheritance mode, an automated score was calculated to assess if this variant is too frequent to cause the disease. Based on the score and internal cut-off values, a variant classified as benign is not then subjected to further curation. The score for this variant resulted in a classification of benign for this disease.

Illumina Laboratory Services, Illumina
Classification: Benign for Crouzon syndrome. Last evaluated: 2018-01-13. Review status: criteria provided, single submitter. Criteria: ICSL Variant Classification Criteria 13 December 2019. Collection method: clinical testing. Allele origin: germline.
Comment: the same text as in the submission from Illumina Laboratory Services, Illumina above.

Illumina Laboratory Services, Illumina
Classification: Benign for Craniosynostosis. Last evaluated: 2018-01-13. Review status: criteria provided, single submitter. Criteria: ICSL Variant Classification Criteria 13 December 2019. Collection method: clinical testing. Allele origin: germline.
Comment: the same text as in the submission from Illumina Laboratory Services, Illumina above.

Illumina Laboratory Services, Illumina
Classification: Benign for Beare-Stevenson cutis gyrata syndrome. Last evaluated: 2018-01-13. Review status: criteria provided, single submitter. Criteria: ICSL Variant Classification Criteria 13 December 2019. Collection method: clinical testing. Allele origin: germline.
Comment: the same text as in the submission from Illumina Laboratory Services, Illumina above.

Illumina Laboratory Services, Illumina
Classification: Likely benign for Isolated coronal synostosis. Last evaluated: 2018-01-13. Review status: criteria provided, single submitter. Criteria: ICSL Variant Classification Criteria 13 December 2019. Collection method: clinical testing. Allele origin: germline.
Comment: This variant was observed in the ICSL laboratory as part of a predisposition screen in an ostensibly healthy population. It had not been previously curated by ICSL or reported in the Human Gene Mutation Database (HGMD: prior to June 1st, 2018), and was therefore a candidate for classification through an automated scoring system. Utilizing variant allele frequency, disease prevalence and penetrance estimates, and inheritance mode, an automated score was calculated to assess if this variant is too frequent to cause the disease. Based on the score and internal cut-off values, a variant classified as likely benign is not then subjected to further curation. The score for this variant resulted in a classification of likely benign for this disease.

Breakthrough Genomics
Classification: Likely benign. Review status: criteria provided, single submitter. Criteria: ACMG Guidelines, 2015. Collection method: not provided. Allele origin: germline. Inheritance: Autosomal dominant inheritance. Affected: yes.

NM_000141.5(FGFR2):c.1673-12C>T

Gene: FGFR2 (fibroblast growth factor receptor 2; minus strand). Cytogenetic location: 10q26.13.
Variant type: single nucleotide variant.
Coding change: c.1673-12C>T on transcript NM_000141.5 (MANE Select); 12 bases into the intron before coding-DNA position 1673, C replaced by T.
Molecular consequence: intron variant.
Genome position (GRCh38, 1-based): chr10:121,496,734, G>A on the plus strand (C>T on the coding strand, the complement: FGFR2 is on the minus strand). VCF-style: chr10-121496734-G-A. GRCh37 (hg19) VCF-style: chr10-123256248-G-A.
Other names: c.1337-12C>T (NM_001144914.1); c.1322-12C>T (NM_001144918.2, NM_001441091.1); c.1328-12C>T (NM_001441090.1, NM_001144916.2); c.1400-12C>T (NM_001441089.1); c.1406-12C>T (NM_023029.3, NM_001144915.2); c.1403-12C>T (NM_001441088.1); c.1325-12C>T (NM_001144917.2); c.1667-12C>T (NM_001320658.2); and 4 more.
Identifiers: ClinVar variation 298999 (VCV000298999.26), dbSNP rs41293763, ClinGen allele CA5720666.